The following is an entry in ClinVar:

NM_007294.4(BRCA1):c.1135A>T (p.Ile379Phe)

Gene: BRCA1 (BRCA1 DNA repair associated; minus strand). Cytogenetic location: 17q21.31.
Variant type: single nucleotide variant.
Coding change: c.1135A>T on transcript NM_007294.4 (MANE Select); coding-DNA position 1135, A replaced by T.
Protein change: p.Ile379Phe; replaces isoleucine 379 with phenylalanine.
Molecular consequence: missense variant. On other transcripts: intron variant (137).
Genome position (GRCh38, 1-based): chr17:43,094,396, T>A on the plus strand (A>T on the coding strand, the complement: BRCA1 is on the minus strand). VCF-style: chr17-43094396-T-A. GRCh37 (hg19) VCF-style: chr17-41246413-T-A.
Other names: c.1132A>T, p.Ile378Phe (NM_001407611.1, NM_001407612.1, NM_001407613.1 and 22 more transcripts); c.1135A>T, p.Ile379Phe (NM_001407624.1, NM_001407625.1, NM_001407626.1 and 30 more transcripts); c.1126A>T, p.Ile376Phe (NM_001407646.1, NM_001407647.1); c.1012A>T, p.Ile338Phe (NM_001407648.1, NM_001407664.1, NM_001407665.1 and 19 more transcripts); c.1009A>T, p.Ile337Phe (NM_001407649.1, NM_001407670.1, NM_001407671.1 and 11 more transcripts); c.1057A>T, p.Ile353Phe (NM_001407653.1, NM_001407654.1, NM_001407655.1 and 4 more transcripts); c.1054A>T, p.Ile352Phe (NM_001407659.1, NM_001407660.1, NM_001407661.1 and 1 more transcripts); c.994A>T, p.Ile332Phe (NM_001407692.1, NM_001407694.1, NM_001407695.1 and 29 more transcripts); and 40 more; short protein forms I332F, I379F, I268F, I290F, I311F, I312F, I337F, I353F.
Identifiers: ClinVar variation 1699865 (VCV001699865.4), dbSNP rs864622723, ClinGen allele CA10599787.
Genomic context (GRCh38, chr17:43,094,396, plus strand): 5'-GTGAGTCATCAGAACCTAACAGTTCATCACTTCTGGAAAACCACTCATTAACTTTCTGAA[T>A]GCTGCTATTTAGTGTTATCCAAGGAACATCTTCAGTATCTCTAGGATTCTCTGAGCATGG-3'
Protein context (NP_009225.1, residues 369-389): DVPWITLNSS[Ile379Phe]QKVNEWFSRS

ClinVar aggregate classification (germline): Conflicting classifications of pathogenicity. Review status: criteria provided, conflicting classifications (1 of 4 stars). 2 submissions from 2 submitters: Uncertain significance (1); Likely benign (1). Last evaluated 2023-03-23.

Conditions:
Hereditary cancer-predisposing syndrome. Also called: Hereditary neoplastic syndrome; Tumor predisposition; Neoplastic Syndromes, Hereditary; Hereditary Cancer Syndrome. Identifiers: Orphanet 140162, MedGen C0027672, MeSH D009386, MONDO:0015356.

Submissions (2):

University of Washington Department of Laboratory Medicine, University of Washington
Classification: Likely benign for Hereditary cancer-predisposing syndrome. Last evaluated: 2023-03-23. Review status: criteria provided, single submitter. Criteria: Dines et al. (Genet Med. 2020). Collection method: curation. Allele origin: germline.
Comment: Missense variant in a coldspot region where missense variants are very unlikely to be pathogenic (PMID:31911673).

BRCA1 coldspot (exon 11 using historical exon numbering). Reclassification based on statistical prior probability

GeneDx
Classification: Uncertain significance. Last evaluated: 2022-01-27. Review status: criteria provided, single submitter. Criteria: GeneDx Variant Classification Process June 2021. Collection method: clinical testing. Allele origin: germline. Affected: yes.
Comment: Not observed at significant frequency in large population cohorts (gnomAD); In silico analysis supports that this missense variant has a deleterious effect on protein structure/function; Observed in the heterozygous state in one healthy control and in no cases in a study of breast cancer patients (Momozawa 2018); Also known as 1254A>T; This variant is associated with the following publications: (PMID: 30287823)